The following is an entry in ClinVar:

NM_001130823.3(DNMT1):c.2738C>T (p.Ala913Val)

Gene: DNMT1 (DNA methyltransferase 1; minus strand). Cytogenetic location: 19p13.2.
Variant type: single nucleotide variant.
Coding change: c.2738C>T on transcript NM_001130823.3 (MANE Select); coding-DNA position 2738, C replaced by T.
Protein change: p.Ala913Val; replaces alanine 913 with valine.
Molecular consequence: missense variant.
Genome position (GRCh38, 1-based): chr19:10,146,507, G>A on the plus strand (C>T on the coding strand, the complement: DNMT1 is on the minus strand). VCF-style: chr19-10146507-G-A. GRCh37 (hg19) VCF-style: chr19-10257183-G-A.
Other names: c.2690C>T, p.Ala897Val (NM_001318730.2, NM_001379.4); c.2375C>T, p.Ala792Val (NM_001318731.2); short protein forms A792V, A913V, A897V.
Identifiers: ClinVar variation 3023493 (VCV003023493.3), dbSNP rs2513799173, ClinGen allele CA403976412.

ClinVar aggregate classification (germline): Uncertain significance (1 of 4 stars; one submission).

Conditions:
Hereditary sensory neuropathy-deafness-dementia syndrome. Also called: Hereditary Sensory and Autonomic Neuropathy Type 1E (HSAN1E); HSN IE; Hereditary sensory neuropathy type IE; NEUROPATHY, HEREDITARY SENSORY, WITH HEARING LOSS AND DEMENTIA. Identifiers: Orphanet 456318, MedGen C3279885, MONDO:0013584, OMIM 614116.

Allele frequency attached by ClinVar (database versions not stated): gnomAD exomes below 0.00001.
gnomAD v4.1: 1 of 1,614,108 alleles (0.000062%); highest among the groups gnomAD compares: Middle Eastern, 0.016%; no homozygotes.

Submission:

Labcorp Genetics (formerly Invitae), Labcorp
Classification: Uncertain significance for Hereditary sensory neuropathy-deafness-dementia syndrome. Last evaluated: 2024-05-01. Review status: criteria provided, single submitter. Criteria: Invitae Variant Classification Sherloc (09022015). Collection method: clinical testing. Allele origin: germline.
Comment: This sequence change replaces alanine, which is neutral and non-polar, with valine, which is neutral and non-polar, at codon 913 of the DNMT1 protein (p.Ala913Val). This variant is not present in population databases (gnomAD no frequency). This variant has not been reported in the literature in individuals affected with DNMT1-related conditions. Advanced modeling of protein sequence and biophysical properties (such as structural, functional, and spatial information, amino acid conservation, physicochemical variation, residue mobility, and thermodynamic stability) performed at Invitae indicates that this missense variant is not expected to disrupt DNMT1 protein function with a negative predictive value of 80%. In summary, the available evidence is currently insufficient to determine the role of this variant in disease. Therefore, it has been classified as a Variant of Uncertain Significance.